The following is an entry in ClinVar:

ClinVar aggregate classification (germline): Likely benign (1 of 4 stars; one submission).

Submission:

CeGaT Center for Human Genetics Tuebingen
Classification: Likely benign. Last evaluated: 2026-05-01. Review status: criteria provided, single submitter. Criteria: CeGaT Center For Human Genetics Tuebingen Variant Classification Criteria Version 2. Collection method: clinical testing. Allele origin: germline. Affected: yes. Observed: 1 variant allele.
Comment: AR: PM2:Supporting, BP4, BP7

NM_000044.6(AR):c.1470G>C (p.Leu490=)

Gene: AR (androgen receptor; plus strand). Cytogenetic location: Xq12.
Variant type: single nucleotide variant.
Coding change: c.1470G>C on transcript NM_000044.6 (MANE Select); coding-DNA position 1470, G replaced by C.
Protein change: p.Leu490=; no amino-acid change (leucine 490 retained).
Molecular consequence: synonymous variant. On other transcripts: 5 prime UTR variant (1).
Genome position (GRCh38, 1-based): chrX:67,546,616, G>C. VCF-style: chrX-67546616-G-C. GRCh37 (hg19) VCF-style: chrX-66766458-G-C.
Other names: c.-314G>C (NM_001011645.3); c.1470G>C, p.Leu490= (NM_001348061.1, NM_001348063.1, NM_001348064.1).
Identifiers: ClinVar variation 4874933 (VCV004874933.2).